The following is an entry in ClinVar:

NM_001754.5(RUNX1):c.749G>T (p.Arg250Leu)

Gene: RUNX1 (RUNX family transcription factor 1; minus strand). Cytogenetic location: 21q22.12.
Variant type: single nucleotide variant.
Coding change: c.749G>T on transcript NM_001754.5 (MANE Select); coding-DNA position 749, G replaced by T.
Protein change: p.Arg250Leu; replaces arginine 250 with leucine.
Molecular consequence: missense variant.
Genome position (GRCh38, 1-based): chr21:34,834,466, C>A on the plus strand (G>T on the coding strand, the complement: RUNX1 is on the minus strand). VCF-style: chr21-34834466-C-A. GRCh37 (hg19) VCF-style: chr21-36206763-C-A.
Other names: NM_001754.5(RUNX1):c.749G>T; p.Arg250Leu; c.668G>T, p.Arg223Leu (NM_001001890.3, NM_001122607.2); short protein forms R223L, R250L.
Identifiers: ClinVar variation 3791478 (VCV003791478.1).

ClinVar aggregate classification (germline): Uncertain significance. Review status: reviewed by expert panel (3 of 4 stars). 2 submissions from 2 submitters: Uncertain significance (1). 1 of the submissions does not count toward it. Last evaluated 2025-07-11.

Conditions:
Inborn genetic diseases. Identifiers: MedGen C0950123, MeSH D030342.
Hereditary thrombocytopenia and hematologic cancer predisposition syndrome. Identifiers: Orphanet 71290, MedGen CN281654, MONDO:0011071.

gnomAD v4.1: 1 of 1,611,264 alleles (0.000062%); highest among the groups gnomAD compares: Non-Finnish European, 0.000085%; no homozygotes.

Submissions (2):

ClinGen Myeloid Malignancy Variant Curation Expert Panel
Classification: Uncertain significance for Hereditary thrombocytopenia and hematologic cancer predisposition syndrome. Last evaluated: 2025-07-11. Review status: reviewed by expert panel. Criteria: ClinGen MyeloMalig ACMG Specifications v2. Collection method: curation. Allele origin: germline. Inheritance: Autosomal dominant inheritance.
Comment: NM_001754.5(RUNX1):c.749G>T (p.Arg250Leu) is a missense variant which is completely absent from all population databases with at least 20x coverage for RUNX1 (PM2_Supporting). In summary, the clinical significance of this variant is uncertain. ACMG/AMP criteria applied, as specified by the Myeloid Malignancy Variant Curation Expert Panel for RUNX1: PM2_supporting.

Ambry Genetics
Classification: Uncertain significance for Inborn genetic diseases. Last evaluated: 2025-01-17. Review status: criteria provided, single submitter. Criteria: Ambry Variant Classification Scheme 2023. Collection method: clinical testing. Allele origin: germline. Not counted in ClinVar's aggregate classification.
Comment: The p.R250L variant (also known as c.749G>T), located in coding exon 6 of the RUNX1 gene, results from a G to T substitution at nucleotide position 749. The arginine at codon 250 is replaced by leucine, an amino acid with dissimilar properties. This amino acid position is conserved. In addition, this alteration is predicted to be deleterious by in silico analysis. Based on the available evidence, the clinical significance of this variant remains unclear.